The following is an entry in ClinVar:

NM_001709.5(BDNF):c.-21-15529C>T

Genes: BDNF (brain derived neurotrophic factor; minus strand), BDNF-AS (BDNF antisense RNA; plus strand). Cytogenetic location: 11p14.1.
Variant type: single nucleotide variant.
Coding change: c.-21-15529C>T on transcript NM_001709.5 (MANE Select); 15529 bases into the intron before 21 bases upstream of the start codon, C replaced by T.
Molecular consequence: intron variant. On other transcripts: synonymous variant (1), 5 prime UTR variant (1).
Genome position (GRCh38, 1-based): chr11:27,674,114, G>A on the plus strand (C>T on the coding strand, the complement: BDNF is on the minus strand). VCF-style: chr11-27674114-G-A. GRCh37 (hg19) VCF-style: chr11-27695661-G-A.
Other names: c.171C>T, p.Tyr57= (NM_001143810.2); c.-193C>T (NM_001143811.2); c.4-15529C>T (NM_170731.5); c.-21-15529C>T (NM_001143805.1, NM_001143806.1, NM_170732.4 and 5 more transcripts); c.67-15529C>T (NM_001143809.2); c.-128-15188C>T (NM_001143814.2); c.25-15529C>T (NM_170734.4).
Identifiers: ClinVar variation 3349214 (VCV003349214.1).

ClinVar aggregate classification (germline): Likely benign (0 of 4 stars; one submission).

Conditions:
BDNF-related disorder. Also called: BDNF-related condition.

Submission:

PreventionGenetics, part of Exact Sciences
Classification: Likely benign for BDNF-related condition. Last evaluated: 2023-09-15. Review status: no assertion criteria provided. Collection method: clinical testing. Allele origin: germline.
Comment: This variant is classified as likely benign based on ACMG/AMP sequence variant interpretation guidelines (Richards et al. 2015 PMID: 25741868, with internal and published modifications).